The following is an entry in ClinVar:

NM_001365088.1(SLC12A6):c.1118+4C>T

Gene: SLC12A6 (solute carrier family 12 member 6; minus strand). Cytogenetic location: 15q14.
Variant type: single nucleotide variant.
Coding change: c.1118+4C>T on transcript NM_001365088.1 (MANE Select); 4 bases into the intron after coding-DNA position 1118, C replaced by T.
Molecular consequence: intron variant.
Genome position (GRCh38, 1-based): chr15:34,254,344, G>A on the plus strand (C>T on the coding strand, the complement: SLC12A6 is on the minus strand). VCF-style: chr15-34254344-G-A. GRCh37 (hg19) VCF-style: chr15-34546545-G-A.
Other names: c.941+4C>T (NM_001042495.2, NM_001042494.2); c.1091+4C>T (NM_001042496.2); c.1073+4C>T (NM_001042497.2); c.1118+4C>T (NM_133647.2); c.965+4C>T (NM_005135.2).
Identifiers: ClinVar variation 315616 (VCV000315616.28), dbSNP rs773294017, ClinGen allele CA7464402.
Genomic context (GRCh38, chr15:34,254,344, plus strand): 5'-ACACCACCAGATATTTTCAATTACTACCCAATAAGGATGGCTAGGCAGAGAGACAGACAC[G>A]TACGGGAAGTGTGGAGGAGCAAAAGAAGACTTGATGGCTCCAGCATAGATGGCCAAGATG-3'

ClinVar aggregate classification (germline): Conflicting classifications of pathogenicity. Review status: criteria provided, conflicting classifications (1 of 4 stars). 5 submissions from 5 submitters: Uncertain significance (4); Likely benign (1). Last evaluated 2025-11-17.

Conditions:
Agenesis of the corpus callosum with peripheral neuropathy (ACCPN). Also called: POLYNEUROPATHY, SENSORIMOTOR, WITH OR WITHOUT AGENESIS OF THE CORPUS CALLOSUM; CHARLEVOIX DISEASE; Hereditary Motor and Sensory Neuropathy with Agenesis of the Corpus Callosum; HMSN/ACC. Identifiers: Orphanet 1496, MedGen C0795950, MONDO:0000902, OMIM 218000. Disease mechanism: loss of function.

Allele frequency attached by ClinVar (database versions not stated): gnomAD 0.00001; gnomAD exomes 0.00003; TOPMed 0.00003; ExAC 0.00006.
gnomAD v4.1: 49 of 1,612,356 alleles (0.003%); highest among the groups gnomAD compares: South Asian, 0.015%; 1 homozygote.

Submissions (5):

Labcorp Genetics (formerly Invitae), Labcorp
Classification: Uncertain significance. Last evaluated: 2025-11-17. Review status: criteria provided, single submitter. Criteria: Invitae Variant Classification Sherloc (09022015). Collection method: clinical testing. Allele origin: germline.
Comment: This sequence change falls in intron 8 of the SLC12A6 gene. It does not directly change the encoded amino acid sequence of the SLC12A6 protein. It affects a nucleotide within the consensus splice site. This variant is present in population databases (rs773294017, gnomAD 0.03%). This variant has not been reported in the literature in individuals affected with SLC12A6-related conditions. ClinVar contains an entry for this variant (Variation ID: 315616). Variants that disrupt the consensus splice site are a relatively common cause of aberrant splicing (PMID: 17576681, 9536098). Algorithms developed to predict the effect of sequence changes on RNA splicing suggest that this variant is not likely to affect RNA splicing. In summary, the available evidence is currently insufficient to determine the role of this variant in disease. Therefore, it has been classified as a Variant of Uncertain Significance.

CeGaT Center for Human Genetics Tuebingen
Classification: Likely benign. Last evaluated: 2024-06-01. Review status: criteria provided, single submitter. Criteria: CeGaT Center For Human Genetics Tuebingen Variant Classification Criteria Version 2. Collection method: clinical testing. Allele origin: germline. Affected: yes. Observed: 1 variant allele.
Comment: SLC12A6: BP4

Women's Health and Genetics/Laboratory Corporation of America, LabCorp
Classification: Uncertain significance. Last evaluated: 2023-12-26. Review status: criteria provided, single submitter. Criteria: LabCorp Variant Classification Summary - May 2015. Collection method: clinical testing. Allele origin: germline.

Illumina Laboratory Services, Illumina
Classification: Uncertain significance for Agenesis of the corpus callosum with peripheral neuropathy. Last evaluated: 2018-01-13. Review status: criteria provided, single submitter. Criteria: ICSL Variant Classification Criteria 13 December 2019. Collection method: clinical testing. Allele origin: germline.

Breakthrough Genomics
Classification: Uncertain significance. Review status: criteria provided, single submitter. Criteria: ACMG Guidelines, 2015. Collection method: not provided. Allele origin: germline. Inheritance: Autosomal recessive inheritance. Affected: yes.

Literature cited by the submitters: PubMed 17576681 (cited by Labcorp Genetics (formerly Invitae), Labcorp); PubMed 9536098 (cited by Labcorp Genetics (formerly Invitae), Labcorp).